The following is an entry in ClinVar:

NM_000478.6(ALPL):c.784A>T (p.Arg262Ter)

Gene: ALPL (alkaline phosphatase, biomineralization associated; plus strand). Cytogenetic location: 1p36.12.
Variant type: single nucleotide variant.
Coding change: c.784A>T on transcript NM_000478.6 (MANE Select); coding-DNA position 784, A replaced by T.
Protein change: p.Arg262Ter; replaces arginine 262 with a stop codon.
Molecular consequence: nonsense.
Genome position (GRCh38, 1-based): chr1:21,568,239, A>T. VCF-style: chr1-21568239-A-T. GRCh37 (hg19) VCF-style: chr1-21894732-A-T.
Other names: c.619A>T, p.Arg207Ter (NM_001127501.4); c.553A>T, p.Arg185Ter (NM_001177520.3); c.784A>T, p.Arg262Ter (NM_001369803.2, NM_001369804.2, NM_001369805.2); short protein forms R207*, R262*, R185*.
Identifiers: ClinVar variation 2830075 (VCV002830075.3), dbSNP rs2545317766, ClinGen allele CA338879480.

ClinVar aggregate classification (germline): Pathogenic (1 of 4 stars; one submission).

Submission:

Labcorp Genetics (formerly Invitae), Labcorp
Classification: Pathogenic. Last evaluated: 2023-01-19. Review status: criteria provided, single submitter. Criteria: Invitae Variant Classification Sherloc (09022015). Collection method: clinical testing. Allele origin: germline.
Comment: For these reasons, this variant has been classified as Pathogenic. This variant has not been reported in the literature in individuals affected with ALPL-related conditions. This variant is not present in population databases (gnomAD no frequency). This sequence change creates a premature translational stop signal (p.Arg262*) in the ALPL gene. It is expected to result in an absent or disrupted protein product. Loss-of-function variants in ALPL are known to be pathogenic (PMID: 3174660, 10679946, 32973344, 33814268).

Literature cited by the submitters: PubMed 3174660; PubMed 10679946; PubMed 32973344; PubMed 33814268.